The following is an entry in ClinVar:

NM_000051.4(ATM):c.451_452insSVAelement

Gene: ATM (ATM serine/threonine kinase; plus strand). Cytogenetic location: 11q22.3.
Variant type: Insertion.
Coding change: c.451_452insSVAelement on transcript NM_000051.4; coding-DNA positions 451 to 452, an insertion.
Other names: NM_000051.3:c.451_452insSVA.
Identifiers: ClinVar variation 870243 (VCV000870243.1), dbSNP rs2079244988.

ClinVar aggregate classification (germline): Pathogenic (1 of 4 stars; one submission).

Conditions:
Ataxia-telangiectasia syndrome (AT). Also called: Cerebello-oculocutaneous telangiectasia; Immunodeficiency with ataxia telangiectasia; Ataxia-telangiectasia, complementation group D; AT, COMPLEMENTATION GROUP C; Ataxia-telangiectasia; LOUIS-BAR SYNDROME. Identifiers: Orphanet 100, MedGen C0004135, MONDO:0008840, OMIM 208900.

Submission:

Labcorp Genetics (formerly Invitae), Labcorp
Classification: Pathogenic for Ataxia-telangiectasia syndrome. Last evaluated: 2019-11-26. Review status: criteria provided, single submitter. Criteria: Invitae Variant Classification Sherloc (09022015). Collection method: clinical testing. Allele origin: germline.
Comment: This sequence change inserts a large fragment of DNA, likely a transposable element, in exon 5 of the ATM gene (c.451_452insSVA), causing a frameshift at codon 151 (p.Ser151Phefs). The exact size and sequence of the insertion cannot be determined by the current assay. However, the insertion is expected to result in an absent or disrupted protein product. This variant has not been reported in the literature in individuals with ATM-related conditions. Retrotransposon insertions including LINE1 (L1), Alu, and SVA (SINE-VNTR-Alu) have been reported to be disease-causing through disruption of either a coding region or splice site (PMID: 19763152, 20307669, 22406018) and loss-of-function variants in ATM are known to be pathogenic (PMID: 23807571, 25614872). For these reasons, this variant has been classified as Pathogenic.

Literature cited by the submitters: PubMed 25614872; PubMed 20307669; PubMed 22406018; PubMed 23807571; PubMed 19763152.